The following is an entry in ClinVar:

ClinVar aggregate classification (germline): Uncertain significance (1 of 4 stars; one submission).

Submission:

Labcorp Genetics (formerly Invitae), Labcorp
Classification: Uncertain significance. Last evaluated: 2023-06-02. Review status: criteria provided, single submitter. Criteria: Invitae Variant Classification Sherloc (09022015). Collection method: clinical testing. Allele origin: germline.
Comment: This sequence change replaces glutamine, which is neutral and polar, with lysine, which is basic and polar, at codon 1588 of the POLE protein (p.Gln1588Lys). This variant is not present in population databases (gnomAD no frequency). This variant has not been reported in the literature in individuals affected with POLE-related conditions. Advanced modeling of protein sequence and biophysical properties (such as structural, functional, and spatial information, amino acid conservation, physicochemical variation, residue mobility, and thermodynamic stability) performed at Invitae indicates that this missense variant is not expected to disrupt POLE protein function. In summary, the available evidence is currently insufficient to determine the role of this variant in disease. Therefore, it has been classified as a Variant of Uncertain Significance.

NM_006231.4(POLE):c.4762C>A (p.Gln1588Lys)

Gene: POLE (DNA polymerase epsilon, catalytic subunit; minus strand). Cytogenetic location: 12q24.33.
Variant type: single nucleotide variant.
Coding change: c.4762C>A on transcript NM_006231.4 (MANE Select); coding-DNA position 4762, C replaced by A.
Protein change: p.Gln1588Lys; replaces glutamine 1588 with lysine.
Molecular consequence: missense variant.
Genome position (GRCh38, 1-based): chr12:132,642,696, G>T on the plus strand (C>A on the coding strand, the complement: POLE is on the minus strand). VCF-style: chr12-132642696-G-T. GRCh37 (hg19) VCF-style: chr12-133219282-G-T.
Other names: short protein forms Q1588K.
Identifiers: ClinVar variation 2756713 (VCV002756713.3), dbSNP rs2541886319, ClinGen allele CA387378479.